The following is an entry in ClinVar:

NM_014112.5(TRPS1):c.99C>G (p.Ile33Met)

Gene: TRPS1 (transcriptional repressor GATA binding 1; minus strand). Cytogenetic location: 8q23.3.
Variant type: single nucleotide variant.
Coding change: c.99C>G on transcript NM_014112.5 (MANE Select); coding-DNA position 99, C replaced by G.
Protein change: p.Ile33Met; replaces isoleucine 33 with methionine.
Molecular consequence: missense variant.
Genome position (GRCh38, 1-based): chr8:115,619,999, G>C on the plus strand (C>G on the coding strand, the complement: TRPS1 is on the minus strand). VCF-style: chr8-115619999-G-C. GRCh37 (hg19) VCF-style: chr8-116632226-G-C.
Other names: c.72C>G, p.Ile24Met (NM_001282902.3); c.78C>G, p.Ile26Met (NM_001282903.3); c.60C>G, p.Ile20Met (NM_001330599.2); c.99C>G (NM_014112.2); short protein forms I33M, I20M, I26M, I24M.
Identifiers: ClinVar variation 1439703 (VCV001439703.7), dbSNP rs61758125, ClinGen allele CA4852053.

ClinVar aggregate classification (germline): Conflicting classifications of pathogenicity. Review status: criteria provided, conflicting classifications (1 of 4 stars). 2 submissions from 2 submitters: Uncertain significance (1); Likely benign (1). Last evaluated 2024-10-26.

Conditions:
Trichorhinophalangeal syndrome, type III (TRPS3). Also called: SUGIO-KAJII SYNDROME. Identifiers: Orphanet 77258, MedGen C1860823, OMIM 190351, MONDO:0008597.
Trichorhinophalangeal dysplasia type I (TRPS1). Also called: TRICHORHINOPHALANGEAL SYNDROME, TYPE I; TRPS I. Identifiers: Orphanet 77258, MedGen C0432233, MONDO:0008596, OMIM 190350.
Inborn genetic diseases. Identifiers: MedGen C0950123, MeSH D030342.

Allele frequency attached by ClinVar (database versions not stated): gnomAD 0.00005 and 0.00006; gnomAD exomes 0.00005 and 0.00009; ExAC 0.00007; TOPMed 0.00008.
gnomAD v4.1: 136 of 1,614,024 alleles (0.0084%); highest among the groups gnomAD compares: Non-Finnish European, 0.011%; no homozygotes.

Submissions (2):

Labcorp Genetics (formerly Invitae), Labcorp
Classification: Uncertain significance for Trichorhinophalangeal syndrome, type III; Trichorhinophalangeal dysplasia type I. Last evaluated: 2024-10-26. Review status: criteria provided, single submitter. Criteria: Invitae Variant Classification Sherloc (09022015). Collection method: clinical testing. Allele origin: germline.
Comment: This sequence change replaces isoleucine, which is neutral and non-polar, with methionine, which is neutral and non-polar, at codon 33 of the TRPS1 protein (p.Ile33Met). This variant is present in population databases (rs61758125, gnomAD 0.009%). This variant has not been reported in the literature in individuals affected with TRPS1-related conditions. ClinVar contains an entry for this variant (Variation ID: 1439703). Invitae Evidence Modeling of protein sequence and biophysical properties (such as structural, functional, and spatial information, amino acid conservation, physicochemical variation, residue mobility, and thermodynamic stability) indicates that this missense variant is not expected to disrupt TRPS1 protein function with a negative predictive value of 80%. In summary, the available evidence is currently insufficient to determine the role of this variant in disease. Therefore, it has been classified as a Variant of Uncertain Significance.

Ambry Genetics
Classification: Likely benign for Inborn genetic diseases. Last evaluated: 2022-05-10. Review status: criteria provided, single submitter. Criteria: Ambry Variant Classification Scheme 2023. Collection method: clinical testing. Allele origin: germline.